The following is an entry in ClinVar:

NM_152490.5(B3GALNT2):c.693C>T (p.His231=)

Gene: B3GALNT2 (beta-1,3-N-acetylgalactosaminyltransferase 2; minus strand). Cytogenetic location: 1q42.3.
Variant type: single nucleotide variant.
Coding change: c.693C>T on transcript NM_152490.5 (MANE Select); coding-DNA position 693, C replaced by T.
Protein change: p.His231=; no amino-acid change (histidine 231 retained).
Molecular consequence: synonymous variant.
Genome position (GRCh38, 1-based): chr1:235,470,919, G>A on the plus strand (C>T on the coding strand, the complement: B3GALNT2 is on the minus strand). VCF-style: chr1-235470919-G-A. GRCh37 (hg19) VCF-style: chr1-235634233-G-A.
Other names: c.816C>T, p.His272= (NM_001277155.3).
Identifiers: ClinVar variation 509682 (VCV000509682.1), dbSNP rs150831923, ClinGen allele CA1464826.

ClinVar aggregate classification (germline): Likely benign (1 of 4 stars; one submission).

Allele frequency attached by ClinVar (database versions not stated): gnomAD 0.00001; gnomAD exomes 0.00001 and 0.00003; TOPMed 0.00002; ExAC 0.00003; ESP Exome Variant Server 0.00008.
gnomAD v4.1: 16 of 1,613,922 alleles (0.00099%); highest among the groups gnomAD compares: South Asian, 0.0055%; no homozygotes.

Submission:

GeneDx
Classification: Likely benign. Last evaluated: 2017-05-22. Review status: criteria provided, single submitter. Criteria: GeneDx Variant Classification (06012015). Collection method: clinical testing. Allele origin: germline. Affected: yes.
Comment: This variant is considered likely benign or benign based on one or more of the following criteria: it is a conservative change, it occurs at a poorly conserved position in the protein, it is predicted to be benign by multiple in silico algorithms, and/or has population frequency not consistent with disease.